The following is an entry in ClinVar:

ClinVar aggregate classification (germline): Uncertain significance (1 of 4 stars; one submission).

Allele frequency attached by ClinVar (database versions not stated): gnomAD exomes below 0.00001.
gnomAD v4.1: 7 of 1,613,100 alleles (0.00043%); highest among the groups gnomAD compares: Non-Finnish European, 0.00034%; no homozygotes.

Submission:

CeGaT Center for Human Genetics Tuebingen
Classification: Uncertain significance. Last evaluated: 2022-05-01. Review status: criteria provided, single submitter. Criteria: CeGaT Center For Human Genetics Tuebingen Variant Classification Criteria Version 2. Collection method: clinical testing. Allele origin: germline. Affected: yes. Observed: 2 variant alleles.
Comment: DHX30: PM2, BP4

NM_138615.3(DHX30):c.668+5A>G

Gene: DHX30 (DExH-box helicase 30; plus strand). Cytogenetic location: 3p21.31.
Variant type: single nucleotide variant.
Coding change: c.668+5A>G on transcript NM_138615.3 (MANE Select); 5 bases into the intron after coding-DNA position 668, A replaced by G.
Molecular consequence: intron variant.
Genome position (GRCh38, 1-based): chr3:47,841,183, A>G. VCF-style: chr3-47841183-A-G. GRCh37 (hg19) VCF-style: chr3-47882673-A-G.
Other names: c.584+5A>G (NM_001330990.2); c.551+5A>G (NM_014966.4).
Identifiers: ClinVar variation 2653770 (VCV002653770.24), dbSNP rs2549283635, ClinGen allele CA2577582442.